The following is an entry in ClinVar:

NM_015102.5(NPHP4):c.61G>A (p.Ala21Thr)

Gene: NPHP4 (nephrocystin 4; minus strand). Cytogenetic location: 1p36.31.
Variant type: single nucleotide variant.
Coding change: c.61G>A on transcript NM_015102.5 (MANE Select); coding-DNA position 61, G replaced by A.
Protein change: p.Ala21Thr; replaces alanine 21 with threonine.
Molecular consequence: missense variant. On other transcripts: 5 prime UTR variant (1), non-coding transcript variant (1), intron variant (1).
Genome position (GRCh38, 1-based): chr1:5,986,229, C>T on the plus strand (G>A on the coding strand, the complement: NPHP4 is on the minus strand). VCF-style: chr1-5986229-C-T. GRCh37 (hg19) VCF-style: chr1-6046289-C-T.
Other names: c.-1169G>A (NM_001291593.2); c.-1088+6015G>A (NM_001291594.2); short protein forms A21T.
Identifiers: ClinVar variation 1937471 (VCV001937471.2), dbSNP rs573630259, ClinGen allele CA554955.

ClinVar aggregate classification (germline): Uncertain significance (1 of 4 stars; one submission).

Conditions:
Nephronophthisis. Also called: Juvenile Nephronophthisis. Identifiers: Orphanet 655, MedGen C0687120, MONDO:0019005, HP:0000090.

Allele frequency attached by ClinVar (database versions not stated): gnomAD exomes below 0.00001; gnomAD 0.00001; ExAC 0.00003; 1000 Genomes Project 30x 0.00016; 1000 Genomes Project 0.00020.
gnomAD v4.1: 8 of 1,613,930 alleles (0.0005%); highest among the groups gnomAD compares: South Asian, 0.0066%; no homozygotes.

Submission:

Labcorp Genetics (formerly Invitae), Labcorp
Classification: Uncertain significance for Nephronophthisis. Last evaluated: 2022-07-15. Review status: criteria provided, single submitter. Criteria: Invitae Variant Classification Sherloc (09022015). Collection method: clinical testing. Allele origin: germline.
Comment: This sequence change replaces alanine, which is neutral and non-polar, with threonine, which is neutral and polar, at codon 21 of the NPHP4 protein (p.Ala21Thr). This variant is present in population databases (rs573630259, gnomAD 0.01%). This variant has not been reported in the literature in individuals affected with NPHP4-related conditions. Algorithms developed to predict the effect of missense changes on protein structure and function output the following: SIFT: "Tolerated"; PolyPhen-2: "Benign"; Align-GVGD: "Class C0". The threonine amino acid residue is found in multiple mammalian species, which suggests that this missense change does not adversely affect protein function. In summary, the available evidence is currently insufficient to determine the role of this variant in disease. Therefore, it has been classified as a Variant of Uncertain Significance.